The following is an entry in ClinVar:

NM_000023.4(SGCA):c.-9C>T

Gene: SGCA (sarcoglycan alpha; plus strand). Cytogenetic location: 17q21.33.
Variant type: single nucleotide variant.
Coding change: c.-9C>T on transcript NM_000023.4 (MANE Select); 9 bases upstream of the start codon, C replaced by T.
Molecular consequence: 5 prime UTR variant. On other transcripts: non-coding transcript variant (1).
Genome position (GRCh38, 1-based): chr17:50,166,032, C>T. VCF-style: chr17-50166032-C-T. GRCh37 (hg19) VCF-style: chr17-48243393-C-T.
Other names: c.-9C>T (NM_001135697.3).
Identifiers: ClinVar variation 3042872 (VCV003042872.3), dbSNP rs774714920, ClinGen allele CA8643637.

ClinVar aggregate classification (germline): Uncertain significance. Review status: criteria provided, single submitter (1 of 4 stars). 2 submissions from 2 submitters: Uncertain significance (1). 1 of the submissions does not count toward it. Last evaluated 2024-08-30.

Conditions:
SGCA-related disorder. Also called: SGCA-related condition.

Allele frequency attached by ClinVar (database versions not stated): ExAC 0.00006.
gnomAD v4.1: 46 of 1,612,856 alleles (0.0029%); highest among the groups gnomAD compares: Middle Eastern, 0.05%; no homozygotes.

Submissions (2):

Blueprint Genetics
Classification: Uncertain significance. Last evaluated: 2024-08-30. Review status: criteria provided, single submitter. Criteria: ACMG Guidelines, 2015. Collection method: clinical testing. Allele origin: germline.

PreventionGenetics, part of Exact Sciences
Classification: Likely benign for SGCA-related condition. Last evaluated: 2023-09-01. Review status: no assertion criteria provided. Collection method: clinical testing. Allele origin: germline. Not counted in ClinVar's aggregate classification.
Comment: This variant is classified as likely benign based on ACMG/AMP sequence variant interpretation guidelines (Richards et al. 2015 PMID: 25741868, with internal and published modifications).